The following is an entry in ClinVar:

NC_000019.9:g.(?_38938975)_(38993630_?)del

Gene: RYR1 (ryanodine receptor 1; plus strand). Cytogenetic location: 19q13.2.
Variant type: Deletion.
Identifiers: ClinVar variation 2423263 (VCV002423263.4).

ClinVar aggregate classification (germline): Pathogenic (1 of 4 stars; one submission).

Conditions:
RYR1-related disorder. Also called: RYR1-related condition; RYR1-related disorders. Identifiers: MedGen CN239331.

Submission:

Labcorp Genetics (formerly Invitae), Labcorp
Classification: Pathogenic for RYR1-related disorder. Last evaluated: 2022-11-08. Review status: criteria provided, single submitter. Criteria: Invitae Variant Classification Sherloc (09022015). Collection method: clinical testing. Allele origin: germline.
Comment: This variant has not been reported in the literature in individuals affected with RYR1-related conditions. For these reasons, this variant has been classified as Pathogenic. This variant is a gross deletion of the genomic region encompassing exon(s) 10-49 of the RYR1 gene. This deletion is out-of-frame, and is expected to create a premature termination codon and result in an absent or disrupted protein product. Loss-of-function variants in RYR1 are known to be pathogenic (PMID: 20583297, 20839240, 23919265, 28818389).

Literature cited by the submitters: PubMed 20583297; PubMed 20839240; PubMed 23919265; PubMed 28818389.